The following is an entry in ClinVar:

NM_003673.4(TCAP):c.407T>A (p.Ile136Asn)

Gene: TCAP (titin-cap; plus strand). Cytogenetic location: 17q12.
Variant type: single nucleotide variant.
Coding change: c.407T>A on transcript NM_003673.4 (MANE Select); coding-DNA position 407, T replaced by A.
Protein change: p.Ile136Asn; replaces isoleucine 136 with asparagine.
Molecular consequence: missense variant.
Genome position (GRCh38, 1-based): chr17:39,666,012, T>A. VCF-style: chr17-39666012-T-A. GRCh37 (hg19) VCF-style: chr17-37822265-T-A.
Other names: short protein forms I136N.
Identifiers: ClinVar variation 1499541 (VCV001499541.8), dbSNP rs2145074402, ClinGen allele CA399305742.
Genomic context (GRCh38, chr17:39,666,012, plus strand): 5'-TGCTGGCGCTGGAGACAGCCCTGGGTGGCCAGTGTGTGGACCGCCAGGAGGTGGCTGAGA[T>A]CACAAAGCAGCTGCCCCCTGTGGTGCCTGTCAGCAAGCCCGGTGCACTTCGTCGCTCCCT-3'
Protein context (NP_003664.1, residues 126-146): QCVDRQEVAE[Ile136Asn]TKQLPPVVPV

ClinVar aggregate classification (germline): Uncertain significance (1 of 4 stars; one submission).

Conditions:
Primary familial hypertrophic cardiomyopathy (HCM). Identifiers: Orphanet 99739, MedGen C0949658, MeSH D024741, MONDO:0024573. Inheritance: Various modes of inheritance.
Hypertrophic cardiomyopathy 25 (CMH25). Also called: CARDIOMYOPATHY, FAMILIAL HYPERTROPHIC, 25. Identifiers: MedGen C4225408, MONDO:0011843, OMIM 607487.

Submission:

Labcorp Genetics (formerly Invitae), Labcorp
Classification: Uncertain significance for Hypertrophic cardiomyopathy 25; Primary familial hypertrophic cardiomyopathy. Last evaluated: 2022-08-16. Review status: criteria provided, single submitter. Criteria: Invitae Variant Classification Sherloc (09022015). Collection method: clinical testing. Allele origin: germline.
Comment: This sequence change replaces isoleucine, which is neutral and non-polar, with asparagine, which is neutral and polar, at codon 136 of the TCAP protein (p.Ile136Asn). This variant is not present in population databases (gnomAD no frequency). This variant has not been reported in the literature in individuals affected with TCAP-related conditions. ClinVar contains an entry for this variant (Variation ID: 1499541). Algorithms developed to predict the effect of missense changes on protein structure and function are either unavailable or do not agree on the potential impact of this missense change (SIFT: "Deleterious"; PolyPhen-2: "Probably Damaging"; Align-GVGD: "Class C0"). In summary, the available evidence is currently insufficient to determine the role of this variant in disease. Therefore, it has been classified as a Variant of Uncertain Significance.